The following is an entry in ClinVar:

ClinVar aggregate classification (germline): Uncertain significance (1 of 4 stars; one submission).

Conditions:
Vici syndrome (VICIS). Identifiers: Orphanet 1493, MedGen C1855772, MONDO:0009452, OMIM 242840.

Allele frequency attached by ClinVar (database versions not stated): gnomAD exomes below 0.00001; ExAC 0.00001; TOPMed 0.00001; gnomAD 0.00002.
gnomAD v4.1: 6 of 1,611,606 alleles (0.00037%); highest among the groups gnomAD compares: Admixed American, 0.0067%; no homozygotes.

Submission:

Labcorp Genetics (formerly Invitae), Labcorp
Classification: Uncertain significance for Vici syndrome. Last evaluated: 2022-08-20. Review status: criteria provided, single submitter. Criteria: Invitae Variant Classification Sherloc (09022015). Collection method: clinical testing. Allele origin: germline.
Comment: This sequence change replaces alanine, which is neutral and non-polar, with threonine, which is neutral and polar, at codon 780 of the EPG5 protein (p.Ala780Thr). This variant is present in population databases (rs752641749, gnomAD 0.006%). This variant has not been reported in the literature in individuals affected with EPG5-related conditions. Algorithms developed to predict the effect of missense changes on protein structure and function (SIFT, PolyPhen-2, Align-GVGD) all suggest that this variant is likely to be tolerated. In summary, the available evidence is currently insufficient to determine the role of this variant in disease. Therefore, it has been classified as a Variant of Uncertain Significance.

NM_020964.3(EPG5):c.2338G>A (p.Ala780Thr)

Gene: EPG5 (ectopic P-granules 5 autophagy tethering factor; minus strand). Cytogenetic location: 18q21.1.
Variant type: single nucleotide variant.
Coding change: c.2338G>A on transcript NM_020964.3 (MANE Select); coding-DNA position 2338, G replaced by A.
Protein change: p.Ala780Thr; replaces alanine 780 with threonine.
Molecular consequence: missense variant.
Genome position (GRCh38, 1-based): chr18:45,930,750, C>T on the plus strand (G>A on the coding strand, the complement: EPG5 is on the minus strand). VCF-style: chr18-45930750-C-T. GRCh37 (hg19) VCF-style: chr18-43510716-C-T.
Other names: c.2338G>A, p.Ala780Thr (NM_001410858.1, NM_001410859.1); short protein forms A780T.
Identifiers: ClinVar variation 1979666 (VCV001979666.3), dbSNP rs752641749, ClinGen allele CA8949454.
Genomic context (GRCh38, chr18:45,930,750, plus strand): 5'-GAACAATAATTTTTATGAAGTCTTCGTCCACATTGGTTCTTCTGGCCTGAGCCATCTGAG[C>T]AAAGGTAGTCAGAAGGCAAATCTCTTCTGAGCTATTCATAGAAGAAAGACACTTCTCAAA-3'
Protein context (NP_066015.2, residues 770-790): SEEICLLTTF[Ala780Thr]QMAQARRTNV